The following is an entry in ClinVar:

NM_004369.4(COL6A3):c.2777A>G (p.Tyr926Cys)

Gene: COL6A3 (collagen type VI alpha 3 chain; minus strand). Cytogenetic location: 2q37.3.
Variant type: single nucleotide variant.
Coding change: c.2777A>G on transcript NM_004369.4 (MANE Select); coding-DNA position 2777, A replaced by G.
Protein change: p.Tyr926Cys; replaces tyrosine 926 with cysteine.
Molecular consequence: missense variant.
Genome position (GRCh38, 1-based): chr2:237,377,065, T>C on the plus strand (A>G on the coding strand, the complement: COL6A3 is on the minus strand). VCF-style: chr2-237377065-T-C. GRCh37 (hg19) VCF-style: chr2-238285708-T-C.
Other names: c.1556A>G, p.Tyr519Cys (NM_057164.5); c.2159A>G, p.Tyr720Cys (NM_057165.5, NM_057167.4); c.956A>G, p.Tyr319Cys (NM_057166.5); short protein forms Y319C, Y519C, Y926C, Y720C.
Identifiers: ClinVar variation 2860504 (VCV002860504.3), dbSNP rs2469913831, ClinGen allele CA351210264.

ClinVar aggregate classification (germline): Uncertain significance (1 of 4 stars; one submission).

Conditions:
Bethlem myopathy 1A. Also called: Bethlem myopathy 1; MYOPATHY, BENIGN CONGENITAL, WITH CONTRACTURES; Bethlem Muscular Dystrophy. Identifiers: Orphanet 610, MedGen CN029274, MONDO:0024530, OMIM 158810.

Submission:

Labcorp Genetics (formerly Invitae), Labcorp
Classification: Uncertain significance for Bethlem myopathy 1A. Last evaluated: 2023-04-29. Review status: criteria provided, single submitter. Criteria: Invitae Variant Classification Sherloc (09022015). Collection method: clinical testing. Allele origin: germline.
Comment: In summary, the available evidence is currently insufficient to determine the role of this variant in disease. Therefore, it has been classified as a Variant of Uncertain Significance. Advanced modeling of protein sequence and biophysical properties (such as structural, functional, and spatial information, amino acid conservation, physicochemical variation, residue mobility, and thermodynamic stability) performed at Invitae indicates that this missense variant is not expected to disrupt COL6A3 protein function. This variant has not been reported in the literature in individuals affected with COL6A3-related conditions. This variant is not present in population databases (gnomAD no frequency). This sequence change replaces tyrosine, which is neutral and polar, with cysteine, which is neutral and slightly polar, at codon 926 of the COL6A3 protein (p.Tyr926Cys).